The following is an entry in ClinVar:

NM_001005361.3(DNM2):c.1235T>C (p.Ile412Thr)

Gene: DNM2 (dynamin 2; plus strand). Cytogenetic location: 19p13.2.
Variant type: single nucleotide variant.
Coding change: c.1235T>C on transcript NM_001005361.3 (MANE Select); coding-DNA position 1235, T replaced by C.
Protein change: p.Ile412Thr; replaces isoleucine 412 with threonine.
Molecular consequence: missense variant. On other transcripts: intron variant (3).
Genome position (GRCh38, 1-based): chr19:10,797,418, T>C. VCF-style: chr19-10797418-T-C. GRCh37 (hg19) VCF-style: chr19-10908094-T-C.
Other names: c.1235T>C, p.Ile412Thr (NM_001005362.3); c.1336-1068T>C (NM_001005360.3, NM_001190716.2, NM_004945.4); short protein forms I412T.
Identifiers: ClinVar variation 4280667 (VCV004280667.1).

ClinVar aggregate classification (germline): Uncertain significance (1 of 4 stars; one submission).

Conditions:
Autosomal dominant centronuclear myopathy. Also called: MYOTUBULAR MYOPATHY, AUTOSOMAL DOMINANT; Myopathy, centronuclear, 3. Identifiers: Orphanet 169189, MedGen C4551952, MeSH D020914, MONDO:0008048, OMIM 160150.

gnomAD v4.1: 1 of 1,613,780 alleles (0.000062%); highest among the groups gnomAD compares: Non-Finnish European, 0.000085%; no homozygotes.

Submission:

Institute of Human Genetics, University of Goettingen
Classification: Uncertain significance for Autosomal dominant centronuclear myopathy. Last evaluated: 2022-09-14. Review status: criteria provided, single submitter. Criteria: ACMG Guidelines, 2015. Collection method: clinical testing. Allele origin: germline. Inheritance: Autosomal dominant inheritance. Affected: yes. Observed: 1 heterozygote.
Comment: The variant c.1235T>C (p.(Ile412Thr)) in the DNM2 gene is absent from the gnomAD database and not listed in ClinVar or HGMD; it affects a highly conserved amino acid within a functional protein domain, and in silico tools predict a deleterious effect; a different VUS at the same residue (p.(Ile412Asn)) has been previously reported in affected individuals, and the molecular finding is partially consistent with the patient’s clinical phenotype. ACMG criteria used for classification: PM1, PM2, PP3_moderate.